The following is an entry in ClinVar:

ClinVar aggregate classification (germline): Uncertain significance. Review status: criteria provided, multiple submitters, no conflicts (2 of 4 stars). 2 submissions from 2 submitters: Uncertain significance (2). Last evaluated 2024-07-08.

Conditions:
Hereditary cancer-predisposing syndrome. Also called: Neoplastic Syndromes, Hereditary; Tumor predisposition; Hereditary Cancer Syndrome; Hereditary neoplastic syndrome. Identifiers: Orphanet 140162, MedGen C0027672, MeSH D009386, MONDO:0015356.
Tuberous sclerosis 2 (TSC2). Identifiers: Orphanet 805, MedGen C1860707, MONDO:0013199, OMIM 613254.

gnomAD v4.1: 1 of 1,609,228 alleles (0.000062%); highest among the groups gnomAD compares: Non-Finnish European, 0.000085%; no homozygotes.

Submissions (2):

Labcorp Genetics (formerly Invitae), Labcorp
Classification: Uncertain significance for Tuberous sclerosis 2. Last evaluated: 2024-07-08. Review status: criteria provided, single submitter. Criteria: Invitae Variant Classification Sherloc (09022015). Collection method: clinical testing. Allele origin: germline.
Comment: This sequence change replaces glutamic acid, which is acidic and polar, with alanine, which is neutral and non-polar, at codon 1442 of the TSC2 protein (p.Glu1442Ala). This variant is not present in population databases (gnomAD no frequency). This variant has not been reported in the literature in individuals affected with TSC2-related conditions. ClinVar contains an entry for this variant (Variation ID: 1739726). Advanced modeling of protein sequence and biophysical properties (such as structural, functional, and spatial information, amino acid conservation, physicochemical variation, residue mobility, and thermodynamic stability) performed at Invitae indicates that this missense variant is not expected to disrupt TSC2 protein function with a negative predictive value of 95%. In summary, the available evidence is currently insufficient to determine the role of this variant in disease. Therefore, it has been classified as a Variant of Uncertain Significance.

Ambry Genetics
Classification: Uncertain significance for Hereditary cancer-predisposing syndrome. Last evaluated: 2020-10-07. Review status: criteria provided, single submitter. Criteria: Ambry Variant Classification Scheme 2023. Collection method: clinical testing. Allele origin: germline.
Comment: The p.E1442A variant (also known as c.4325A>C), located in coding exon 33 of the TSC2 gene, results from an A to C substitution at nucleotide position 4325. The glutamic acid at codon 1442 is replaced by alanine, an amino acid with dissimilar properties. This amino acid position is well conserved in available vertebrate species. In addition, the in silico prediction for this alteration is inconclusive. Since supporting evidence is limited at this time, the clinical significance of this alteration remains unclear.

NM_000548.5(TSC2):c.4325A>C (p.Glu1442Ala)

Gene: TSC2 (TSC complex subunit 2; plus strand). Cytogenetic location: 16p13.3.
Variant type: single nucleotide variant.
Coding change: c.4325A>C on transcript NM_000548.5 (MANE Select); coding-DNA position 4325, A replaced by C.
Protein change: p.Glu1442Ala; replaces glutamic acid 1442 with alanine.
Molecular consequence: missense variant.
Genome position (GRCh38, 1-based): chr16:2,084,547, A>C. VCF-style: chr16-2084547-A-C. GRCh37 (hg19) VCF-style: chr16-2134548-A-C.
Other names: c.4124A>C, p.Glu1375Ala (NM_001077183.3); c.4256A>C, p.Glu1419Ala (NM_001114382.3); c.4016A>C, p.Glu1339Ala (NM_001318827.2); c.3980A>C, p.Glu1327Ala (NM_001318829.2); c.3593A>C, p.Glu1198Ala (NM_001318831.2); c.4157A>C, p.Glu1386Ala (NM_001318832.2); c.4127A>C, p.Glu1376Ala (NM_001363528.2); c.4193A>C, p.Glu1398Ala (NM_001370404.1); and 26 more; short protein forms E1175A, E1242A, E1339A, E1369A, E1375A, E1398A, E1399A, E1416A.
Identifiers: ClinVar variation 1739726 (VCV001739726.7), dbSNP rs1204349917, ClinGen allele CA394301364.